The following is an entry in ClinVar:

NM_000136.3(FANCC):c.355T>C (p.Ser119Pro)

Gene: FANCC (FA complementation group C; minus strand). Cytogenetic location: 9q22.32.
Variant type: single nucleotide variant.
Coding change: c.355T>C on transcript NM_000136.3 (MANE Select); coding-DNA position 355, T replaced by C.
Protein change: p.Ser119Pro; replaces serine 119 with proline.
Molecular consequence: missense variant.
Genome position (GRCh38, 1-based): chr9:95,172,138, A>G on the plus strand (T>C on the coding strand, the complement: FANCC is on the minus strand). VCF-style: chr9-95172138-A-G. GRCh37 (hg19) VCF-style: chr9-97934420-A-G.
Other names: c.355T>C, p.Ser119Pro (NM_001243743.2, NM_001243744.2); short protein forms S119P.
Identifiers: ClinVar variation 1719473 (VCV001719473.7), dbSNP rs1020133869, ClinGen allele CA374338903.
Genomic context (GRCh38, chr9:95,172,138, plus strand): 5'-CAAGACCTTGAGTGAAAAGAGCAACTTCTTTATCAAATCTGAGTGCTGAAAGTATATGAG[A>G]TAATACACCCTAAAAAACATAAACAGAAAAAGTTAACTTCTTTAAAAGTAAATGCAAGTG-3'
Protein context (NP_000127.2, residues 109-129): KLNSWIQGVL[Ser119Pro]HILSALRFDK

ClinVar aggregate classification (germline): Uncertain significance. Review status: criteria provided, multiple submitters, no conflicts (2 of 4 stars). 2 submissions from 2 submitters: Uncertain significance (2). Last evaluated 2023-09-13.

Conditions:
Hereditary cancer-predisposing syndrome. Also called: Hereditary neoplastic syndrome; Neoplastic Syndromes, Hereditary; Hereditary Cancer Syndrome; Tumor predisposition. Identifiers: Orphanet 140162, MedGen C0027672, MeSH D009386, MONDO:0015356.
Fanconi anemia (FA). Also called: Fanconi's anemia. Identifiers: Orphanet 84, MedGen C0015625, MeSH D005199, MONDO:0019391.

gnomAD v4.1: 2 of 1,605,262 alleles (0.00012%); highest among the groups gnomAD compares: African/African-American, 0.0013%; no homozygotes.

Submissions (2):

Ambry Genetics
Classification: Uncertain significance for Hereditary cancer-predisposing syndrome. Last evaluated: 2023-09-13. Review status: criteria provided, single submitter. Criteria: Ambry Variant Classification Scheme 2023. Collection method: clinical testing. Allele origin: germline.

Labcorp Genetics (formerly Invitae), Labcorp
Classification: Uncertain significance for Fanconi anemia. Last evaluated: 2022-09-15. Review status: criteria provided, single submitter. Criteria: Invitae Variant Classification Sherloc (09022015). Collection method: clinical testing. Allele origin: germline.
Comment: In summary, the available evidence is currently insufficient to determine the role of this variant in disease. Therefore, it has been classified as a Variant of Uncertain Significance. Advanced modeling of protein sequence and biophysical properties (such as structural, functional, and spatial information, amino acid conservation, physicochemical variation, residue mobility, and thermodynamic stability) performed at Invitae indicates that this missense variant is not expected to disrupt FANCC protein function. This variant has not been reported in the literature in individuals affected with FANCC-related conditions. This variant is present in population databases (no rsID available, gnomAD 0.007%). This sequence change replaces serine, which is neutral and polar, with proline, which is neutral and non-polar, at codon 119 of the FANCC protein (p.Ser119Pro).